The following is an entry in ClinVar:

NM_000178.4(GSS):c.4G>A (p.Ala2Thr)

Gene: GSS (glutathione synthetase; minus strand). Cytogenetic location: 20q11.22.
Variant type: single nucleotide variant.
Coding change: c.4G>A on transcript NM_000178.4 (MANE Select); coding-DNA position 4, G replaced by A.
Protein change: p.Ala2Thr; replaces alanine 2 with threonine.
Molecular consequence: missense variant.
Genome position (GRCh38, 1-based): chr20:34,951,849, C>T on the plus strand (G>A on the coding strand, the complement: GSS is on the minus strand). VCF-style: chr20-34951849-C-T. GRCh37 (hg19) VCF-style: chr20-33539652-C-T.
Other names: c.4G>A, p.Ala2Thr (NM_001322494.1, NM_001322495.1); short protein forms A2T.
Identifiers: ClinVar variation 1992522 (VCV001992522.4), dbSNP rs2519044144, ClinGen allele CA408706982.

ClinVar aggregate classification (germline): Uncertain significance (1 of 4 stars; one submission).

Conditions:
Glutathione synthetase deficiency with 5-oxoprolinuria. Also called: PYROGLUTAMIC ACIDURIA; 5-Oxoprolinuria; 5-OXOPROLINURIA DUE TO GLUTATHIONE SYNTHETASE DEFICIENCY; Reduced glutathione synthetase level; Gluthathione synthetase deficiency. Identifiers: Orphanet 289846, MedGen C0398746, MONDO:0009947, OMIM 266130, HP:0003343.

Submission:

Labcorp Genetics (formerly Invitae), Labcorp
Classification: Uncertain significance for Glutathione synthetase deficiency with 5-oxoprolinuria. Last evaluated: 2024-04-29. Review status: criteria provided, single submitter. Criteria: Invitae Variant Classification Sherloc (09022015). Collection method: clinical testing. Allele origin: germline.
Comment: This sequence change replaces alanine, which is neutral and non-polar, with threonine, which is neutral and polar, at codon 2 of the GSS protein (p.Ala2Thr). This variant is not present in population databases (gnomAD no frequency). This variant has not been reported in the literature in individuals affected with GSS-related conditions. ClinVar contains an entry for this variant (Variation ID: 1992522). An algorithm developed to predict the effect of missense changes on protein structure and function (PolyPhen-2) suggests that this variant is likely to be tolerated. In summary, the available evidence is currently insufficient to determine the role of this variant in disease. Therefore, it has been classified as a Variant of Uncertain Significance.